The following is an entry in ClinVar:

ClinVar aggregate classification (germline): Pathogenic. Review status: criteria provided, multiple submitters, no conflicts (2 of 4 stars). 4 submissions from 4 submitters: Pathogenic (4). Last evaluated 2024-04-25.

Conditions:
ALG1-congenital disorder of glycosylation. Also called: CONGENITAL DISORDER OF GLYCOSYLATION, TYPE Ik; CDG Ik; ALG1-CDG. Identifiers: Orphanet 79327, MedGen C2931005, MONDO:0012052, OMIM 608540.

Submissions (4):

Fulgent Genetics
Classification: Pathogenic for ALG1-congenital disorder of glycosylation. Last evaluated: 2024-04-25. Review status: criteria provided, single submitter. Criteria: ACMG Guidelines, 2015. Collection method: clinical testing. Allele origin: germline.

Labcorp Genetics (formerly Invitae), Labcorp
Classification: Pathogenic for ALG1-congenital disorder of glycosylation. Last evaluated: 2023-10-04. Review status: criteria provided, single submitter. Criteria: Invitae Variant Classification Sherloc (09022015). Collection method: clinical testing. Allele origin: germline.
Comment: This sequence change creates a premature translational stop signal (p.Leu366Thrfs*11) in the ALG1 gene. It is expected to result in an absent or disrupted protein product. Loss-of-function variants in ALG1 are known to be pathogenic (PMID: 20679665, 23806237). This variant is present in population databases (rs757512219, gnomAD 0.0009%). This premature translational stop signal has been observed in individual(s) with epilepsy of infancy with migrating focal seizures (EIMFS) (PMID: 34020146). ClinVar contains an entry for this variant (Variation ID: 2442437). For these reasons, this variant has been classified as Pathogenic.

GeneDx
Classification: Pathogenic. Last evaluated: 2022-09-06. Review status: criteria provided, single submitter. Criteria: GeneDx Variant Classification Process June 2021. Collection method: clinical testing. Allele origin: germline. Affected: yes.
Comment: Frameshift variant predicted to result in protein truncation or nonsense mediated decay in a gene for which loss of function is a known mechanism of disease; Not observed at significant frequency in large population cohorts (gnomAD); This variant is associated with the following publications: (PMID: 34020146)

Juno Genomics, Hangzhou Juno Genomics, Inc
Classification: Pathogenic for ALG1-congenital disorder of glycosylation. Review status: criteria provided, single submitter. Criteria: ACMG Guidelines, 2015. Collection method: clinical testing. Allele origin: germline.
Comment: Absent from controls (or at extremely low frequency if recessive) in Genome Aggregation Database.;Null variant in a gene where loss of function (LOF) is a known mechanism of disease.;For recessive disorders, detected in trans with a pathogenic variant.

Literature cited by the submitters: PubMed 20679665 (cited by Labcorp Genetics (formerly Invitae), Labcorp); PubMed 23806237 (cited by Labcorp Genetics (formerly Invitae), Labcorp); PubMed 34020146 (cited by Labcorp Genetics (formerly Invitae), Labcorp).

NM_019109.5(ALG1):c.1095_1098del (p.Leu366fs)

Gene: ALG1 (ALG1 chitobiosyldiphosphodolichol beta-mannosyltransferase; plus strand). Cytogenetic location: 16p13.3.
Variant type: Microsatellite.
Coding change: c.1095_1098del on transcript NM_019109.5 (MANE Select); coding-DNA positions 1095 to 1098, 4 bases deleted (TCTG; older notation c.1095_1098delTCTG).
Protein change: p.Leu366fs; shifts the reading frame from leucine 366.
Molecular consequence: frameshift variant.
Genome position (GRCh38, 1-based): chr16:5,082,581-5,082,584, TCTG deleted; deleting any 4 consecutive bases within chr16:5,082,575-5,082,584 gives the same sequence; the c. name uses the placement nearest the transcript's 3' end. VCF-style (leftmost placement, unchanged base first): chr16-5082574-GTGTC-G. GRCh37 (hg19) VCF-style: chr16-5132575-GTGTC-G.
Other names: c.762_765del, p.Leu255fs (NM_001330504.2); short protein forms L255fs, L366fs.
Identifiers: ClinVar variation 2442437 (VCV002442437.8), dbSNP rs757512219, ClinGen allele CA7890223.
Genomic context (GRCh38, chr16:5,082,574, plus strand): 5'-CCAGGGCAGAGACCAGTGCTCTGACCCACCCCTCTTGCCTAGCAGGGTCGGCGGACCTGG[GTGTC>G]TGTCTGCACACGTCCTCCAGTGGCCTGGACCTGCCCATGAAGGTGGTGGACATGTTCGGG-3'